The following is an entry in ClinVar:

NM_001083614.2(EARS2):c.570C>T (p.Arg190=)

Gene: EARS2 (glutamyl-tRNA synthetase 2, mitochondrial; minus strand). Cytogenetic location: 16p12.2.
Variant type: single nucleotide variant.
Coding change: c.570C>T on transcript NM_001083614.2 (MANE Select); coding-DNA position 570, C replaced by T.
Protein change: p.Arg190=; no amino-acid change (arginine 190 retained).
Molecular consequence: synonymous variant. On other transcripts: non-coding transcript variant (1).
Genome position (GRCh38, 1-based): chr16:23,535,276, G>A on the plus strand (C>T on the coding strand, the complement: EARS2 is on the minus strand). VCF-style: chr16-23535276-G-A. GRCh37 (hg19) VCF-style: chr16-23546597-G-A.
Other names: c.570C>T, p.Arg190= (NM_001308211.1).
Identifiers: ClinVar variation 513502 (VCV000513502.1), dbSNP rs1555503423, ClinGen allele CA494460754.

ClinVar aggregate classification (germline): Likely benign (1 of 4 stars; one submission).

Submission:

GeneDx
Classification: Likely benign. Last evaluated: 2017-12-06. Review status: criteria provided, single submitter. Criteria: GeneDx Variant Classification (06012015). Collection method: clinical testing. Allele origin: germline. Affected: yes.
Comment: This variant is considered likely benign or benign based on one or more of the following criteria: it is a conservative change, it occurs at a poorly conserved position in the protein, it is predicted to be benign by multiple in silico algorithms, and/or has population frequency not consistent with disease.